The following is an entry in ClinVar:

NM_018975.4(TERF2IP):c.193G>A (p.Ala65Thr)

Gene: TERF2IP (TERF2 interacting protein; plus strand). Cytogenetic location: 16q23.1.
Variant type: single nucleotide variant.
Coding change: c.193G>A on transcript NM_018975.4 (MANE Select); coding-DNA position 193, G replaced by A.
Protein change: p.Ala65Thr; replaces alanine 65 with threonine.
Molecular consequence: missense variant. On other transcripts: non-coding transcript variant (1).
Genome position (GRCh38, 1-based): chr16:75,648,075, G>A. VCF-style: chr16-75648075-G-A. GRCh37 (hg19) VCF-style: chr16-75681973-G-A.
Other names: c.193G>A (NM_018975.3); short protein forms A65T.
Identifiers: ClinVar variation 1802901 (VCV001802901.7), dbSNP rs766581433, ClinGen allele CA8177954.

ClinVar aggregate classification (germline): Uncertain significance. Review status: criteria provided, multiple submitters, no conflicts (2 of 4 stars). 2 submissions from 2 submitters: Uncertain significance (2). Last evaluated 2025-03-04.

Allele frequency attached by ClinVar (database versions not stated): gnomAD exomes 0.00001; ExAC 0.00002; TOPMed 0.00002.
gnomAD v4.1: 17 of 1,578,498 alleles (0.0011%); highest among the groups gnomAD compares: Non-Finnish European, 0.0015%; no homozygotes.

Submissions (2):

Center for Genomic Medicine, Rigshospitalet, Copenhagen University Hospital
Classification: Uncertain significance. Last evaluated: 2025-03-04. Review status: criteria provided, single submitter. Criteria: ACMG Guidelines, 2015. Collection method: clinical testing. Allele origin: germline.

Ambry Genetics
Classification: Uncertain significance. Last evaluated: 2023-04-07. Review status: criteria provided, single submitter. Criteria: Ambry Variant Classification Scheme 2023. Collection method: clinical testing. Allele origin: germline.
Comment: The p.A65T variant (also known as c.193G>A), located in coding exon 1 of the TERF2IP gene, results from a G to A substitution at nucleotide position 193. The alanine at codon 65 is replaced by threonine, an amino acid with similar properties. This amino acid position is conserved. In addition, this alteration is predicted to be tolerated by in silico analysis. Since supporting evidence is limited at this time, the clinical significance of this alteration remains unclear.